The following is an entry in ClinVar:

NM_000138.5(FBN1):c.1360C>T (p.Gln454Ter)

Gene: FBN1 (fibrillin 1; minus strand). Cytogenetic location: 15q21.1.
Variant type: single nucleotide variant.
Coding change: c.1360C>T on transcript NM_000138.5 (MANE Select); coding-DNA position 1360, C replaced by T.
Protein change: p.Gln454Ter; replaces glutamine 454 with a stop codon.
Molecular consequence: nonsense.
Genome position (GRCh38, 1-based): chr15:48,515,495, G>A on the plus strand (C>T on the coding strand, the complement: FBN1 is on the minus strand). VCF-style: chr15-48515495-G-A. GRCh37 (hg19) VCF-style: chr15-48807692-G-A.
Other names: short protein forms Q454*.
Identifiers: ClinVar variation 549012 (VCV000549012.3), dbSNP rs1555400387, ClinGen allele CA392343978.

ClinVar aggregate classification (germline): Pathogenic. Review status: criteria provided, multiple submitters, no conflicts (2 of 4 stars). 3 submissions from 3 submitters: Pathogenic (2). 1 of the submissions does not count toward it. Last evaluated 2025-09-12.

Conditions:
Familial thoracic aortic aneurysm and aortic dissection (TAAD). Also called: Thoracic aortic aneurysms and dissections. Identifiers: Orphanet 91387, MedGen C4707243, MONDO:0019625.
Marfan syndrome (MFS). Also called: Marfan syndrome type 1; Marfan syndrome, classic; Marfan's syndrome; FBN1-Related Marfan Syndrome; MARFAN SYNDROME, TYPE I. Identifiers: Orphanet 284963, Orphanet 558, MedGen C0024796, MONDO:0007947, OMIM 154700.

Submissions (3):

Color Diagnostics, LLC DBA Color Health
Classification: Pathogenic for Familial thoracic aortic aneurysm and aortic dissection. Last evaluated: 2025-09-12. Review status: criteria provided, single submitter. Criteria: ACMG Guidelines, 2015. Collection method: clinical testing. Allele origin: germline.
Comment: This variant changes 1 nucleotide in exon 12 of the FBN1 gene, creating a premature translation stop signal. This variant is expected to result in an absent or non-functional protein product. To our knowledge, this variant has not been reported in individuals affected with FBN1-related disorders in the literature. This variant has not been identified in the general population by the Genome Aggregation Database (gnomAD). Loss of FBN1 function is a known mechanism of disease. Based on the available evidence, this variant is classified as Pathogenic.

CHEO Genetics Diagnostic Laboratory, Children's Hospital of Eastern Ontario
Classification: Pathogenic for Familial thoracic aortic aneurysm and aortic dissection. Last evaluated: 2022-11-29. Review status: criteria provided, single submitter. Criteria: ACMG Guidelines, 2015. Collection method: clinical testing. Allele origin: germline.

Center for Medical Genetics Ghent, University of Ghent
Classification: Pathogenic for Marfan syndrome. Last evaluated: 2017-11-07. Review status: no assertion criteria provided. Collection method: clinical testing. Allele origin: germline. Affected: yes. Not counted in ClinVar's aggregate classification.